The following is an entry in ClinVar:

ClinVar aggregate classification (germline): Uncertain significance (1 of 4 stars; one submission).

Allele frequency attached by ClinVar (database versions not stated): ExAC 0.00001; gnomAD 0.00001; gnomAD exomes 0.00001; TOPMed 0.00003.
gnomAD v4.1: 10 of 1,614,098 alleles (0.00062%); highest among the groups gnomAD compares: African/African-American, 0.0013%; no homozygotes.

Submission:

Labcorp Genetics (formerly Invitae), Labcorp
Classification: Uncertain significance. Last evaluated: 2023-08-17. Review status: criteria provided, single submitter. Criteria: Invitae Variant Classification Sherloc (09022015). Collection method: clinical testing. Allele origin: germline.
Comment: This sequence change replaces valine, which is neutral and non-polar, with alanine, which is neutral and non-polar, at codon 379 of the FZD4 protein (p.Val379Ala). In summary, the available evidence is currently insufficient to determine the role of this variant in disease. Therefore, it has been classified as a Variant of Uncertain Significance. Advanced modeling of protein sequence and biophysical properties (such as structural, functional, and spatial information, amino acid conservation, physicochemical variation, residue mobility, and thermodynamic stability) has been performed at Invitae for this missense variant, however the output from this modeling did not meet the statistical confidence thresholds required to predict the impact of this variant on FZD4 protein function. ClinVar contains an entry for this variant (Variation ID: 1489452). This variant has not been reported in the literature in individuals affected with FZD4-related conditions. This variant is present in population databases (rs762138071, gnomAD 0.007%).

NM_012193.4(FZD4):c.1136T>C (p.Val379Ala)

Genes: FZD4 (frizzled class receptor 4; minus strand), PRSS23 (serine protease 23; plus strand). Cytogenetic location: 11q14.2.
Variant type: single nucleotide variant.
Coding change: c.1136T>C on transcript NM_012193.4 (MANE Select); coding-DNA position 1136, T replaced by C.
Protein change: p.Val379Ala; replaces valine 379 with alanine.
Molecular consequence: missense variant. On other transcripts: non-coding transcript variant (2).
Genome position (GRCh38, 1-based): chr11:86,951,620, A>G on the plus strand (T>C on the coding strand, the complement: FZD4 is on the minus strand). VCF-style: chr11-86951620-A-G. GRCh37 (hg19) VCF-style: chr11-86662662-A-G.
Other names: short protein forms V379A.
Identifiers: ClinVar variation 1489452 (VCV001489452.6), dbSNP rs762138071, ClinGen allele CA6218374.